The following is an entry in ClinVar:

NM_000218.3(KCNQ1):c.1514+4184G>A

Genes: KCNQ1 (potassium voltage-gated channel subfamily Q member 1; plus strand), KCNQ1OT1 (KCNQ1 opposite strand/antisense transcript 1; minus strand). Cytogenetic location: 11p15.5.
Variant type: single nucleotide variant.
Coding change: c.1514+4184G>A on transcript NM_000218.3 (MANE Select); 4184 bases into the intron after coding-DNA position 1514, G replaced by A.
Molecular consequence: intron variant.
Genome position (GRCh38, 1-based): chr11:2,666,265, G>A. VCF-style: chr11-2666265-G-A. GRCh37 (hg19) VCF-style: chr11-2687495-G-A.
Other names: c.1244+4184G>A (NM_001406837.1); c.1418+4184G>A (NM_001406836.1); c.974+4184G>A (NM_001406838.1); c.1133+4184G>A (NM_181798.2).
Identifiers: ClinVar variation 2498490 (VCV002498490.28), dbSNP rs950066428, ClinGen allele CA216174680.

ClinVar aggregate classification (germline): Likely benign (1 of 4 stars; one submission).

Allele frequency attached by ClinVar (database versions not stated): 1000 Genomes Project 30x 0.00016; gnomAD 0.00024; gnomAD exomes 0.00028.
gnomAD v4.1: 105 of 398,676 alleles (0.026%); highest among the groups gnomAD compares: Admixed American, 0.048%; no homozygotes.

Submission:

CeGaT Center for Human Genetics Tuebingen
Classification: Likely benign. Last evaluated: 2024-09-01. Review status: criteria provided, single submitter. Criteria: CeGaT Center For Human Genetics Tuebingen Variant Classification Criteria Version 2. Collection method: clinical testing. Allele origin: germline. Affected: yes. Observed: 2 variant alleles.
Comment: KCNQ1OT1: BS2